The following is an entry in ClinVar:

ClinVar aggregate classification (germline): Conflicting classifications of pathogenicity. Review status: criteria provided, conflicting classifications (1 of 4 stars). 4 submissions from 4 submitters: Uncertain significance (1); Benign (1); Likely benign (2). Last evaluated 2026-07-14.

Conditions:
Rhabdoid tumor predisposition syndrome 2 (RTPS2). Identifiers: Orphanet 231108, Orphanet 69077, MedGen C2750074, MONDO:0013224, OMIM 613325.
Hereditary cancer-predisposing syndrome. Also called: Tumor predisposition; Neoplastic Syndromes, Hereditary; Hereditary Cancer Syndrome; Hereditary neoplastic syndrome. Identifiers: Orphanet 140162, MedGen C0027672, MeSH D009386, MONDO:0015356.

Allele frequency attached by ClinVar (database versions not stated): ExAC 0.00002; gnomAD exomes 0.00002.
gnomAD v4.1: 19 of 1,614,184 alleles (0.0012%); highest among the groups gnomAD compares: East Asian, 0.042%; no homozygotes.

Submissions (4):

Myriad Genetics, Inc.
Classification: Benign for Rhabdoid tumor predisposition syndrome 2. Last evaluated: 2026-07-14. Review status: criteria provided, single submitter. Criteria: Myriad Autosomal Dominant, Autosomal Recessive and X-Linked Classification Criteria (2023). Collection method: clinical testing. Allele origin: unknown.
Comment: This variant is considered benign. This variant is a silent/synonymous amino acid change and it is not expected to impact splicing.

Labcorp Genetics (formerly Invitae), Labcorp
Classification: Likely benign for Rhabdoid tumor predisposition syndrome 2. Last evaluated: 2025-12-13. Review status: criteria provided, single submitter. Criteria: Invitae Variant Classification Sherloc (09022015). Collection method: clinical testing. Allele origin: germline.

Sema4
Classification: Uncertain significance for Hereditary cancer-predisposing syndrome. Last evaluated: 2022-03-10. Review status: criteria provided, single submitter. Criteria: Sema4 Curation Guidelines. Collection method: curation. Allele origin: germline.
Comment: The SMARCA4 c.3324C>A (p.L1108=) variant has not been reported in the literature to our knowledge. It was observed in 4/18394 chromosomes of the East Asian subpopulation in the large and broad cohorts of the Genome Aggregation Database (PMID: 32461654). The variant has been reported in ClinVar (Variation ID 470345). The affected nucleotide is conserved while in silico tools suggest the variant does not have an impact on splicing, though these predictions have not been confirmed by functional studies. The evidence is insufficient to meet ACMG/AMP criteria for classifying the variant as benign or pathogenic. Thus, the clinical significance of this variant is currently uncertain.

Ambry Genetics
Classification: Likely benign for Hereditary cancer-predisposing syndrome. Last evaluated: 2015-07-16. Review status: criteria provided, single submitter. Criteria: Ambry Variant Classification Scheme 2023. Collection method: clinical testing. Allele origin: germline.

NM_003072.5(SMARCA4):c.3324C>A (p.Leu1108=)

Gene: SMARCA4 (SWI/SNF related BAF chromatin remodeling complex subunit ATPase 4; plus strand). Cytogenetic location: 19p13.2.
Variant type: single nucleotide variant.
Coding change: c.3324C>A on transcript NM_003072.5 (MANE Select); coding-DNA position 3324, C replaced by A.
Protein change: p.Leu1108=; no amino-acid change (leucine 1108 retained).
Molecular consequence: synonymous variant. On other transcripts: non-coding transcript variant (1).
Genome position (GRCh38, 1-based): chr19:11,027,892, C>A. VCF-style: chr19-11027892-C-A. GRCh37 (hg19) VCF-style: chr19-11138568-C-A.
Other names: c.3324C>A, p.Leu1108= (NM_001128844.3, NM_001128845.2, NM_001128846.2 and 5 more transcripts).
Identifiers: ClinVar variation 470345 (VCV000470345.17), dbSNP rs750792793, ClinGen allele CA9204384.